The following is an entry in ClinVar:

NM_001199138.2(NLRC4):c.112G>A (p.Val38Ile)

Gene: NLRC4 (NLR family CARD domain containing 4; minus strand). Cytogenetic location: 2p22.3.
Variant type: single nucleotide variant.
Coding change: c.112G>A on transcript NM_001199138.2 (MANE Select); coding-DNA position 112, G replaced by A.
Protein change: p.Val38Ile; replaces valine 38 with isoleucine.
Molecular consequence: missense variant.
Genome position (GRCh38, 1-based): chr2:32,252,569, C>T on the plus strand (G>A on the coding strand, the complement: NLRC4 is on the minus strand). VCF-style: chr2-32252569-C-T. GRCh37 (hg19) VCF-style: chr2-32477638-C-T.
Other names: c.112G>A, p.Val38Ile (NM_001199139.2, NM_001302504.2, NM_021209.5); short protein forms V38I.
Identifiers: ClinVar variation 848250 (VCV000848250.10), dbSNP rs1687104483, ClinGen allele CA346516969.

ClinVar aggregate classification (germline): Uncertain significance. Review status: criteria provided, multiple submitters, no conflicts (2 of 4 stars). 2 submissions from 2 submitters: Uncertain significance (2). Last evaluated 2026-01-20.

Conditions:
Inborn genetic diseases. Identifiers: MedGen C0950123, MeSH D030342.
Periodic fever-infantile enterocolitis-autoinflammatory syndrome. Also called: Autoinflammation with infantile enterocolitis. Identifiers: Orphanet 436166, MedGen C4015067, MONDO:0014472, OMIM 616050.
Familial cold autoinflammatory syndrome 4 (FCAS4). Identifiers: Orphanet 47045, Orphanet 576349, MedGen C4015276, MONDO:0014498, OMIM 616115.

Submissions (2):

Labcorp Genetics (formerly Invitae), Labcorp
Classification: Uncertain significance for Periodic fever-infantile enterocolitis-autoinflammatory syndrome; Familial cold autoinflammatory syndrome 4. Last evaluated: 2026-01-20. Review status: criteria provided, single submitter. Criteria: Invitae Variant Classification Sherloc (09022015). Collection method: clinical testing. Allele origin: germline.
Comment: This sequence change replaces valine, which is neutral and non-polar, with isoleucine, which is neutral and non-polar, at codon 38 of the NLRC4 protein (p.Val38Ile). This variant is not present in population databases (gnomAD no frequency). This variant has not been reported in the literature in individuals affected with NLRC4-related conditions. ClinVar contains an entry for this variant (Variation ID: 848250). An algorithm developed to predict the effect of missense changes on protein structure and function outputs the following: PolyPhen-2: "Benign". The isoleucine amino acid residue is found in multiple mammalian species, which suggests that this missense change does not adversely affect protein function. In summary, the available evidence is currently insufficient to determine the role of this variant in disease. Therefore, it has been classified as a Variant of Uncertain Significance.

Ambry Genetics
Classification: Uncertain significance for Inborn genetic diseases. Last evaluated: 2024-04-01. Review status: criteria provided, single submitter. Criteria: Ambry Variant Classification Scheme 2023. Collection method: clinical testing. Allele origin: germline.